The following is an entry in ClinVar:

NM_002691.4(POLD1):c.2953C>T (p.Arg985Trp)

Gene: POLD1 (DNA polymerase delta 1, catalytic subunit; plus strand). Cytogenetic location: 19q13.33.
Variant type: single nucleotide variant.
Coding change: c.2953C>T on transcript NM_002691.4 (MANE Select); coding-DNA position 2953, C replaced by T.
Protein change: p.Arg985Trp; replaces arginine 985 with tryptophan.
Molecular consequence: missense variant. On other transcripts: non-coding transcript variant (1).
Genome position (GRCh38, 1-based): chr19:50,416,528, C>T. VCF-style: chr19-50416528-C-T. GRCh37 (hg19) VCF-style: chr19-50919785-C-T.
Other names: c.2953C>T, p.Arg985Trp (NM_001256849.1); c.3031C>T, p.Arg1011Trp (NM_001308632.1); c.2953C>T (NM_002691.2); short protein forms R1011W, R985W.
Identifiers: ClinVar variation 537107 (VCV000537107.14), dbSNP rs780926432, ClinGen allele CA9596690.
Genomic context (GRCh38, chr19:50,416,528, plus strand): 5'-CCCCTCCTGCGCATCTTCGAGCCCATCCTGGGCGAGGGCCGTGCCGAGGCTGTGCTACTG[C>T]GTACGGGGGCACCAGGGGACTGGGGGCACCCTGGGGGGGCAGAGGAGATCACCGGCCCAC-3'
Protein context (NP_002682.2, residues 975-995): GEGRAEAVLL[Arg985Trp]GDHTRCKTVL

ClinVar aggregate classification (germline): Uncertain significance. Review status: criteria provided, multiple submitters, no conflicts (2 of 4 stars). 5 submissions from 5 submitters: Uncertain significance (4). 1 of the submissions does not count toward it. Last evaluated 2025-12-02.

Conditions:
POLD1-related polyposis and colorectal cancer syndrome (CRCS10). Also called: Colorectal cancer 10; COLORECTAL CANCER, SUSCEPTIBILITY TO, ON CHROMOSOME 19q; Colorectal cancer, susceptibility to, 10. Identifiers: Orphanet 220460, MedGen C2675481, MONDO:0012953, OMIM 612591.
Mandibular hypoplasia-deafness-progeroid syndrome. Also called: Mandibular hypoplasia, deafness, progeroid features, and lipodystrophy syndrome. Identifiers: Orphanet 363649, MedGen C3715192, MONDO:0014157, OMIM 615381.
Hereditary cancer-predisposing syndrome. Also called: Tumor predisposition; Neoplastic Syndromes, Hereditary; Hereditary Cancer Syndrome; Hereditary neoplastic syndrome. Identifiers: Orphanet 140162, MedGen C0027672, MeSH D009386, MONDO:0015356.

Allele frequency attached by ClinVar (database versions not stated): gnomAD 0.00001; ExAC 0.00005.
gnomAD v4.1: 8 of 1,552,074 alleles (0.00052%); highest among the groups gnomAD compares: South Asian, 0.0036%; no homozygotes.

Submissions (5):

Labcorp Genetics (formerly Invitae), Labcorp
Classification: Uncertain significance for POLD1-related polyposis and colorectal cancer syndrome. Last evaluated: 2025-12-02. Review status: criteria provided, single submitter. Criteria: Invitae Variant Classification Sherloc (09022015). Collection method: clinical testing. Allele origin: germline.
Comment: This sequence change replaces arginine, which is basic and polar, with tryptophan, which is neutral and slightly polar, at codon 985 of the POLD1 protein (p.Arg985Trp). The frequency data for this variant in the population databases is considered unreliable, as metrics indicate poor data quality at this position in the gnomAD database. This variant has not been reported in the literature in individuals affected with POLD1-related conditions. ClinVar contains an entry for this variant (Variation ID: 537107). An algorithm developed to predict the effect of missense changes on protein structure and function (PolyPhen-2) suggests that this variant is likely to be disruptive. RNA analysis performed to evaluate the impact of this missense change on mRNA splicing indicates it does not significantly alter splicing (internal data). In summary, the available evidence is currently insufficient to determine the role of this variant in disease. Therefore, it has been classified as a Variant of Uncertain Significance.

Ambry Genetics
Classification: Uncertain significance for Hereditary cancer-predisposing syndrome. Last evaluated: 2025-01-23. Review status: criteria provided, single submitter. Criteria: Ambry Variant Classification Scheme 2023. Collection method: clinical testing. Allele origin: germline.
Comment: The p.R985W variant (also known as c.2953C>T), located in coding exon 22 of the POLD1 gene, results from a C to T substitution at nucleotide position 2953. The amino acid change results in arginine to tryptophan at codon 985, an amino acid with dissimilar properties. However, this change occurs in the last base pair of coding exon 22, which makes it likely to have some effect on normal mRNA splicing. This nucleotide position is not well conserved in available vertebrate species. This amino acid position is not well conserved in available vertebrate species. In silico splice site analysis predicts that this alteration will result in the creation or strengthening of a novel splice donor site. In addition, as a missense substitution this is predicted to be tolerated by in silico analysis. Based on the available evidence, the clinical significance of this variant remains unclear.

Fulgent Genetics
Classification: Uncertain significance for POLD1-related polyposis and colorectal cancer syndrome; Mandibular hypoplasia-deafness-progeroid syndrome. Last evaluated: 2022-05-13. Review status: criteria provided, single submitter. Criteria: ACMG Guidelines, 2015. Collection method: clinical testing. Allele origin: unknown.

Quest Diagnostics Nichols Institute San Juan Capistrano
Classification: Uncertain significance. Last evaluated: 2018-01-18. Review status: criteria provided, single submitter. Criteria: Quest Diagnostics criteria. Collection method: clinical testing. Allele origin: germline.

True Health Diagnostics
Classification: Uncertain significance for Hereditary cancer-predisposing syndrome. Last evaluated: 2017-10-26. Review status: no assertion criteria provided. Collection method: clinical testing. Allele origin: germline. Not counted in ClinVar's aggregate classification.